The following is an entry in ClinVar:

ClinVar aggregate classification (germline): Pathogenic/Likely pathogenic. Review status: criteria provided, multiple submitters, no conflicts (2 of 4 stars). 7 submissions from 7 submitters: Pathogenic (3); Likely pathogenic (4). Last evaluated 2026-02-27.

Conditions:
FH-related disorder. Also called: FH-related disorders; FH-related condition.
Hereditary cancer-predisposing syndrome. Also called: Hereditary Cancer Syndrome; Hereditary neoplastic syndrome; Tumor predisposition; Neoplastic Syndromes, Hereditary. Identifiers: Orphanet 140162, MedGen C0027672, MeSH D009386, MONDO:0015356.
Hereditary leiomyomatosis and renal cell cancer. Also called: Multiple cutaneous leiomyomas; MULTIPLE CUTANEOUS AND UTERINE LEIOMYOMATA 1, WITH OR WITHOUT RENAL CELL CARCINOMA; Reed syndrome; Multiple cutaneous and uterine leiomyomatosis; Cutaneous leiomyomata with uterine leiomyomata; Leiomyoma, hereditary multiple, of skin. Identifiers: Orphanet 523, MedGen C1708350, MONDO:0007888, OMIM 150800, HP:0007437. Disease mechanism: loss of function.

Submissions (7):

Clinical Genetics Laboratory, Skane University Hospital Lund
Classification: Likely pathogenic for Hereditary leiomyomatosis and renal cell cancer. Last evaluated: 2026-02-27. Review status: criteria provided, single submitter. Criteria: ACMG Guidelines, 2015. Collection method: clinical testing. Allele origin: germline. Affected: yes.
Comment: ACMG criteria used: PVS1_strong, PS4_Supporting, PM2

Labcorp Genetics (formerly Invitae), Labcorp
Classification: Pathogenic. Last evaluated: 2025-12-02. Review status: criteria provided, single submitter. Criteria: Invitae Variant Classification Sherloc (09022015). Collection method: clinical testing. Allele origin: germline.
Comment: This sequence change affects a donor splice site in intron 7 of the FH gene. RNA analysis indicates that disruption of this splice site induces altered splicing and likely results in a shortened protein product. This variant is not present in population databases (gnomAD no frequency). Disruption of this splice site has been observed in individuals with clinical features of hereditary leiomyomatosis and renal cell cancer (PMID: 33063682; internal data). ClinVar contains an entry for this variant (Variation ID: 372365). Studies have shown that disruption of this splice site results in skipping of exon 7 , but is expected to preserve the integrity of the reading-frame (internal data). This variant disrupts a region of the FH protein in which other variant(s) (p.Ser366Asn) have been determined to be pathogenic (PMID: 12761039, 12772087, 16237213; internal data). This suggests that this is a clinically significant region of the protein, and that variants that disrupt it are likely to be disease-causing. For these reasons, this variant has been classified as Pathogenic.

Quest Diagnostics Nichols Institute San Juan Capistrano
Classification: Likely pathogenic. Last evaluated: 2023-09-01. Review status: criteria provided, single submitter. Criteria: Quest Diagnostics criteria. Collection method: clinical testing. Allele origin: unknown.
Comment: The FH c.1108+1G>T variant disrupts a canonical splice-donor site and is predicted to interfere with normal FH mRNA splicing, resulting in the in-frame skipping of exon 7 which removes >10% of the coding sequences of the FH protein and is expected to have an impact on protein function. In the published literature, this variant has been reported in individuals with breast cancer (PMID: 34196900 (2021)) and hereditary leiomyomatosis and renal cell cancer (HLRCC) (PMID: 33063682 (2021)). This variant has not been reported in large, multi-ethnic general populations (Genome Aggregation Database). Based on the available information, this variant is classified as likely pathogenic.

Myriad Genetics, Inc.
Classification: Likely pathogenic for Hereditary leiomyomatosis and renal cell cancer. Last evaluated: 2023-07-06. Review status: criteria provided, single submitter. Criteria: Myriad Autosomal Dominant, Autosomal Recessive and X-Linked Classification Criteria (2023). Collection method: clinical testing. Allele origin: unknown.
Comment: This variant is considered likely pathogenic. This variant occurs within a consensus splice junction and is predicted to result in abnormal mRNA splicing of either an out-of-frame exon or an in-frame exon necessary for protein stability and/or normal function.

Ambry Genetics
Classification: Pathogenic for Hereditary cancer-predisposing syndrome. Last evaluated: 2023-06-20. Review status: criteria provided, single submitter. Criteria: Ambry Variant Classification Scheme 2023. Collection method: clinical testing. Allele origin: germline.
Comment: The c.1108+1G>T intronic pathogenic mutation results from a G to T substitution one nucleotide after coding exon 7 of the FH gene. This alteration has been observed multiple individuals who have a personal or family history that is consistent with FH-associated disease (Ambry internal data; Personal communication; Seo JY et al. Ann Lab Med 2021 Mar;41(2):207-213). RNA studies have demonstrated that this alteration results in abnormal splicing in the set of samples tested (Ambry internal data). This variant is considered to be rare based on population cohorts in the Genome Aggregation Database (gnomAD). As such, this alteration is classified as a disease-causing mutation.

GeneDx
Classification: Likely pathogenic. Last evaluated: 2016-11-10. Review status: criteria provided, single submitter. Criteria: GeneDx Variant Classification (06012015). Collection method: clinical testing. Allele origin: germline. Affected: yes.
Comment: The c.1108+1G>T splice site variant in the FH gene has not been reported previously as a pathogenic variant, nor as a benign variant, to our knowledge. This variant destroys the canonical splice donor site in intron 7. It is predicted to cause abnormal gene splicing, either leading to an abnormal message that is subject to nonsense-mediated mRNA decay, or to an abnormal protein product if the message is used for protein translation. Based on currently available evidence, c.1108+1G>T is a strong candidate for a pathogenic variant. However, the possibility it may be a rare benign variant cannot be excluded.

Rady Children's Institute for Genomic Medicine, Rady Children's Hospital San Diego
Classification: Pathogenic for FH-related disorders. Review status: criteria provided, single submitter. Criteria: ACMG Guidelines, 2015. Collection method: clinical testing. Allele origin: germline. Affected: yes.
Comment: This variant affects the canonical splice donor site of intron 7 and is therefore predicted to interfere with splicing and result in loss of normal protein function through either protein truncation or nonsense-mediated mRNA decay (NMD). This variant has not been previously reported or functionally characterized in the literature to our knowledge. It is absent from the gnomAD population database and thus is presumed to be rare. Based on the available evidence, the c.1108+1G>T variant is classified as Pathogenic.

Literature cited by the submitters: PubMed 33063682 (cited by 3 submitters); PubMed 12761039 (cited by Labcorp Genetics (formerly Invitae), Labcorp); PubMed 12772087 (cited by Labcorp Genetics (formerly Invitae), Labcorp); PubMed 16237213 (cited by Labcorp Genetics (formerly Invitae), Labcorp); PubMed 32612247 (cited by Quest Diagnostics Nichols Institute San Juan Capistrano); PubMed 34196900 (cited by Quest Diagnostics Nichols Institute San Juan Capistrano); PubMed 11865300 (cited by Ambry Genetics); PubMed 21398687 (cited by Ambry Genetics).

NM_000143.4(FH):c.1108+1G>T

Gene: FH (fumarate hydratase; minus strand). Cytogenetic location: 1q43.
Variant type: single nucleotide variant.
Coding change: c.1108+1G>T on transcript NM_000143.4 (MANE Select); the canonical splice donor site of the intron after coding-DNA position 1108, G replaced by T.
Molecular consequence: splice donor variant.
Genome position (GRCh38, 1-based): chr1:241,504,041, C>A on the plus strand (G>T on the coding strand, the complement: FH is on the minus strand). VCF-style: chr1-241504041-C-A. GRCh37 (hg19) VCF-style: chr1-241667341-C-A.
Identifiers: ClinVar variation 372365 (VCV000372365.16), dbSNP rs1057517734, ClinGen allele CA16042358.